The following is an entry in ClinVar:

ClinVar aggregate classification (germline): Pathogenic/Likely pathogenic. Review status: criteria provided, multiple submitters, no conflicts (2 of 4 stars). 6 submissions from 6 submitters: Pathogenic (1); Likely pathogenic (4). 1 of the submissions does not count toward it. Last evaluated 2026-01-26.

Conditions:
PIEZO1-related disorder. Also called: PIEZO1-related condition; PIEZO1-Related Disorders.
Dehydrated hereditary stomatocytosis with or without pseudohyperkalemia and/or perinatal edema (DHS1). Also called: Dehydrated hereditary stomatocytosis 1 with or without pseudohyperkalemia and/or perinatal edema; PSEUDOHYPERKALEMIA EDINBURGH; DEHYDRATED HEREDITARY STOMATOCYTOSIS AND PSEUDOHYPERKALEMIA; DEHYDRATED HEREDITARY STOMATOCYTOSIS WITH PSEUDOHYPERKALEMIA AND PERINATAL EDEMA; Pseudohyperkalemia, familial, 1, due to red cell leak. Identifiers: Orphanet 3202, MedGen C4551512, MONDO:0008689, OMIM 194380.

Allele frequency attached by ClinVar (database versions not stated): gnomAD 0.00003 and 0.00004; TOPMed 0.00003; gnomAD exomes 0.00004; ExAC 0.00009.

Submissions (6):

Labcorp Genetics (formerly Invitae), Labcorp
Classification: Pathogenic. Last evaluated: 2026-01-26. Review status: criteria provided, single submitter. Criteria: Invitae Variant Classification Sherloc (09022015). Collection method: clinical testing. Allele origin: germline.
Comment: This sequence change replaces threonine, which is neutral and polar, with methionine, which is neutral and non-polar, at codon 2127 of the PIEZO1 protein (p.Thr2127Met). The frequency data for this variant in the population databases is considered unreliable, as metrics indicate poor data quality at this position in the gnomAD database. This missense change has been observed in individuals with autosomal dominant dehydrated hereditary stomatocytosis (PMID: 23479567, 23695678). It has also been observed to segregate with disease in related individuals. ClinVar contains an entry for this variant (Variation ID: 55811). Invitae Evidence Modeling of protein sequence and biophysical properties (such as structural, functional, and spatial information, amino acid conservation, physicochemical variation, residue mobility, and thermodynamic stability) indicates that this missense variant is expected to disrupt PIEZO1 protein function with a positive predictive value of 80%. Experimental studies have shown that this missense change affects PIEZO1 function (PMID: 23695678). For these reasons, this variant has been classified as Pathogenic.

Revvity Omics, Revvity
Classification: Likely pathogenic. Last evaluated: 2024-10-30. Review status: criteria provided, single submitter. Criteria: ACMG Guidelines, 2015. Collection method: clinical testing. Allele origin: germline.

Mayo Clinic Laboratories, Mayo Clinic
Classification: Likely pathogenic. Last evaluated: 2023-08-31. Review status: criteria provided, single submitter. Criteria: ACMG Guidelines, 2015. Collection method: clinical testing. Allele origin: germline. Observed: 1 variant allele.
Comment: PP1, PP3, PM2_moderate, PS3

Blueprint Genetics
Classification: Likely pathogenic for PIEZO1-related disorders. Last evaluated: 2018-07-17. Review status: criteria provided, single submitter. Criteria: ACMG Guidelines, 2015. Collection method: clinical testing. Allele origin: germline. Affected: yes. Observed: 1 variant allele.

Laboratory for Molecular Medicine, Mass General Brigham Personalized Medicine
Classification: Likely pathogenic for Dehydrated hereditary stomatocytosis. Last evaluated: 2018-02-19. Review status: criteria provided, single submitter. Criteria: LMM Criteria. Collection method: clinical testing. Allele origin: germline. Inheritance: Autosomal dominant inheritance. Observed: 1 variant allele.
Comment: The p.Thr2127Met variant in PIEZO1 has been reported in two individuals with cli nical features of dehydrated hereditary stomatocytosis (Andolfo 2013, Albuisson 2013). The variant cosegregated with disease in one family in 16 relatives over three generations, including 4 obligate carriers (Andolfo 2013). This variant ha s been identified in 1/838 Latino chromosomes and 1/3490 Finnish chromosomes by the Genome Aggregation Database (gnomAD; dbSNP rs587776991). In vitro functional studies provide some evidence that the p.Thr2 127Met variant may impact protein function by delaying inactivation time and the refore increasing cation transport (Albuisson 2103); however, these types of ass ays may not accurately represent biological function. In summary, although addit ional studies are required to fully establish its clinical significance, the p.T hr2127Met variant is likely pathogenic for dehydrated hereditary stomatocytosis in an autosomal dominant manner. ACMG/AMP Criteria applied: PP1_Strong; PM2; PS3 _Supporting

OMIM
Classification: Pathogenic for DEHYDRATED HEREDITARY STOMATOCYTOSIS AND PSEUDOHYPERKALEMIA. Last evaluated: 2013-05-09. Review status: no assertion criteria provided. Collection method: literature only. Allele origin: germline. Not counted in ClinVar's aggregate classification.

Literature cited by the submitters: PubMed 23479567 (cited by 4 submitters); PubMed 23695678 (cited by 4 submitters); PubMed 28971506 (cited by Mayo Clinic Laboratories, Mayo Clinic); PubMed 30187933 (cited by Mayo Clinic Laboratories, Mayo Clinic); PubMed 33181827 (cited by Mayo Clinic Laboratories, Mayo Clinic); PubMed 16898969 (cited by OMIM); PubMed 89283 (cited by OMIM).

NM_001142864.4(PIEZO1):c.6380C>T (p.Thr2127Met)

Gene: PIEZO1 (piezo type mechanosensitive ion channel component 1 (Er blood group); minus strand). Cytogenetic location: 16q24.3.
Variant type: single nucleotide variant.
Coding change: c.6380C>T on transcript NM_001142864.4 (MANE Select); coding-DNA position 6380, C replaced by T.
Protein change: p.Thr2127Met; replaces threonine 2127 with methionine.
Molecular consequence: missense variant.
Genome position (GRCh38, 1-based): chr16:88,719,665, G>A on the plus strand (C>T on the coding strand, the complement: PIEZO1 is on the minus strand). VCF-style: chr16-88719665-G-A. GRCh37 (hg19) VCF-style: chr16-88786073-G-A.
Other names: c.6380C>T, p.Thr2127Met (LRG_1137t1); short protein forms T2127M.
Identifiers: ClinVar variation 55811 (VCV000055811.13), dbSNP rs587776991, ClinGen allele CA211290.